The following is an entry in ClinVar:

NM_015021.3(ZNF292):c.4505C>T (p.Thr1502Ile)

Gene: ZNF292 (zinc finger protein 292; plus strand). Cytogenetic location: 6q14.3.
Variant type: single nucleotide variant.
Coding change: c.4505C>T on transcript NM_015021.3 (MANE Select); coding-DNA position 4505, C replaced by T.
Protein change: p.Thr1502Ile; replaces threonine 1502 with isoleucine.
Molecular consequence: missense variant.
Genome position (GRCh38, 1-based): chr6:87,258,134, C>T. VCF-style: chr6-87258134-C-T. GRCh37 (hg19) VCF-style: chr6-87967852-C-T.
Other names: c.4085C>T, p.Thr1362Ile (NM_001351444.2); short protein forms T1362I, T1502I.
Identifiers: ClinVar variation 3349097 (VCV003349097.1).
Genomic context (GRCh38, chr6:87,258,134, plus strand): 5'-TCAGTCAAGAAGGTAGTGAAATTATTAAACAGGCTTTGGAAACTGCTGGCATTCCCAGTA[C>T]ATTTGAGGGTGCCGAAATGCTTTCTCATGTTTCAACAGGTTGTGTCTCTGATGCATCACA-3'
Protein context (NP_055836.1, residues 1492-1512): QALETAGIPS[Thr1502Ile]FEGAEMLSHV

ClinVar aggregate classification (germline): Uncertain significance (0 of 4 stars; one submission).

Conditions:
ZNF292-related disorder. Also called: ZNF292-related condition.

gnomAD v4.1: 1 of 1,612,326 alleles (0.000062%); highest among the groups gnomAD compares: Non-Finnish European, 0.000085%; no homozygotes.

Submission:

PreventionGenetics, part of Exact Sciences
Classification: Uncertain significance for ZNF292-related condition. Last evaluated: 2024-07-27. Review status: no assertion criteria provided. Collection method: clinical testing. Allele origin: germline.
Comment: The ZNF292 c.4505C>T variant is predicted to result in the amino acid substitution p.Thr1502Ile. To our knowledge, this variant has not been reported in the literature or in a large population database, indicating this variant is rare. At this time, the clinical significance of this variant is uncertain due to the absence of conclusive functional and genetic evidence.